The following is an entry in ClinVar:

NM_138420.4(AHNAK2):c.10882G>A (p.Asp3628Asn)

Gene: AHNAK2 (AHNAK nucleoprotein 2; minus strand). Cytogenetic location: 14q32.33.
Variant type: single nucleotide variant.
Coding change: c.10882G>A on transcript NM_138420.4 (MANE Select); coding-DNA position 10882, G replaced by A.
Protein change: p.Asp3628Asn; replaces aspartic acid 3628 with asparagine.
Molecular consequence: missense variant.
Genome position (GRCh38, 1-based): chr14:104,944,569, C>T on the plus strand (G>A on the coding strand, the complement: AHNAK2 is on the minus strand). VCF-style: chr14-104944569-C-T. GRCh37 (hg19) VCF-style: chr14-105410906-C-T.
Other names: c.10582G>A, p.Asp3528Asn (NM_001350929.2); short protein forms D3528N, D3628N.
Identifiers: ClinVar variation 2644659 (VCV002644659.24), dbSNP rs768557529, ClinGen allele CA7378926.

ClinVar aggregate classification (germline): Likely benign (1 of 4 stars; one submission).

Allele frequency attached by ClinVar (database versions not stated): ExAC 0.00001; gnomAD exomes 0.00001.

Submission:

CeGaT Center for Human Genetics Tuebingen
Classification: Likely benign. Last evaluated: 2022-04-01. Review status: criteria provided, single submitter. Criteria: CeGaT Center For Human Genetics Tuebingen Variant Classification Criteria Version 2. Collection method: clinical testing. Allele origin: germline. Affected: yes. Observed: 1 variant allele.
Comment: AHNAK2: BP4